The following is an entry in ClinVar:

ClinVar aggregate classification (germline): Uncertain significance (1 of 4 stars; one submission).

Allele frequency attached by ClinVar (database versions not stated): gnomAD exomes 0.00001; TOPMed 0.00001; gnomAD 0.00002.
gnomAD v4.1: 11 of 1,611,930 alleles (0.00068%); highest among the groups gnomAD compares: African/African-American, 0.0013%; no homozygotes.

Submission:

Labcorp Genetics (formerly Invitae), Labcorp
Classification: Uncertain significance. Last evaluated: 2022-03-15. Review status: criteria provided, single submitter. Criteria: Invitae Variant Classification Sherloc (09022015). Collection method: clinical testing. Allele origin: germline.
Comment: In summary, the available evidence is currently insufficient to determine the role of this variant in disease. Therefore, it has been classified as a Variant of Uncertain Significance. Algorithms developed to predict the effect of missense changes on protein structure and function are either unavailable or do not agree on the potential impact of this missense change (SIFT: "Deleterious"; PolyPhen-2: "Probably Damaging"; Align-GVGD: "Class C0"). This variant has not been reported in the literature in individuals affected with MECOM-related conditions. This variant is present in population databases (no rsID available, gnomAD 0.004%). This sequence change replaces arginine, which is basic and polar, with glutamine, which is neutral and polar, at codon 148 of the MECOM protein (p.Arg148Gln).

NM_004991.4(MECOM):c.1007G>A (p.Arg336Gln)

Gene: MECOM (MDS1 and EVI1 complex locus; minus strand). Cytogenetic location: 3q26.2.
Variant type: single nucleotide variant.
Coding change: c.1007G>A on transcript NM_004991.4 (MANE Select); coding-DNA position 1007, G replaced by A.
Protein change: p.Arg336Gln; replaces arginine 336 with glutamine.
Molecular consequence: missense variant.
Genome position (GRCh38, 1-based): chr3:169,121,181, C>T on the plus strand (G>A on the coding strand, the complement: MECOM is on the minus strand). VCF-style: chr3-169121181-C-T. GRCh37 (hg19) VCF-style: chr3-168838969-C-T.
Other names: c.638G>A, p.Arg213Gln (NM_001105077.4); c.443G>A, p.Arg148Gln (NM_001105078.4, NM_001164000.2, NM_001205194.2 and 5 more transcripts); c.446G>A, p.Arg149Gln (NM_001163999.2, NM_001366467.2, NM_001366468.2 and 1 more transcripts); c.1007G>A, p.Arg336Gln (NM_001366466.2, NM_001366473.2); short protein forms R148Q, R149Q, R213Q, R336Q.
Identifiers: ClinVar variation 2041830 (VCV002041830.4), dbSNP rs1223083082, ClinGen allele CA355066273.